The following is an entry in ClinVar:

NM_022455.5(NSD1):c.6887T>C (p.Val2296Ala)

Gene: NSD1 (nuclear receptor binding SET domain protein 1; plus strand). Cytogenetic location: 5q35.3.
Variant type: single nucleotide variant.
Coding change: c.6887T>C on transcript NM_022455.5 (MANE Select); coding-DNA position 6887, T replaced by C.
Protein change: p.Val2296Ala; replaces valine 2296 with alanine.
Molecular consequence: missense variant.
Genome position (GRCh38, 1-based): chr5:177,294,255, T>C. VCF-style: chr5-177294255-T-C. GRCh37 (hg19) VCF-style: chr5-176721256-T-C.
Other names: c.6014T>C, p.Val2005Ala (NM_001365684.2, NM_001409308.1, NM_172349.5); c.6887T>C, p.Val2296Ala (NM_001409301.1, NM_001409302.1, NM_001409303.1); c.6467T>C, p.Val2156Ala (NM_001409304.1); c.6134T>C, p.Val2045Ala (NM_001409305.1); c.6125T>C, p.Val2042Ala (NM_001409306.1, NM_001409307.1); c.5765T>C, p.Val1922Ala (NM_001409309.1); short protein forms V2296A, V2027A, V2005A, V2156A, V2045A, V1922A, V2042A.
Identifiers: ClinVar variation 195775 (VCV000195775.22), dbSNP rs754309202, ClinGen allele CA242362.

ClinVar aggregate classification (germline): Conflicting classifications of pathogenicity. Review status: criteria provided, conflicting classifications (1 of 4 stars). 8 submissions from 8 submitters: Uncertain significance (3); Likely benign (4). 1 of the submissions does not count toward it. Last evaluated 2026-08-06.

Conditions:
Hereditary cancer. Identifiers: MedGen C1333600.
Sotos syndrome (SOTOS). Also called: Sotos' syndrome; CHROMOSOME 5q35 DELETION SYNDROME; CEREBRAL GIGANTISM; Distinctive facial appearance, overgrowth in childhood, and learning disabilities or delayed development; SOTOS SYNDROME 1. Identifiers: Orphanet 821, MedGen C0175695, MONDO:0019349, OMIM 117550.
NSD1-related disorder. Also called: NSD1-related condition.
Inborn genetic diseases. Identifiers: MedGen C0950123, MeSH D030342.

Allele frequency attached by ClinVar (database versions not stated): ExAC 0.00002; gnomAD 0.00002; gnomAD exomes 0.00002; TOPMed 0.00003.
gnomAD v4.1: 23 of 1,613,316 alleles (0.0014%); highest among the groups gnomAD compares: Admixed American, 0.0067%; no homozygotes.

Submissions (8):

OLLIN Analises Genomicas, OLLIN
Classification: Uncertain significance for Sotos syndrome. Last evaluated: 2026-08-06. Review status: criteria provided, single submitter. Criteria: ACMG Guidelines 2015 PMID 25741868. Collection method: clinical testing. Allele origin: germline. Inheritance: Autosomal dominant inheritance.
Comment: This missense variant, located in exon 23 (of 23), has been reported in ClinVar (accession VCV000195775.21) and in gnomAD with an allele frequency of 0.0014%. However, to our knowledge, it has not been reported in the scientific literature. In silico analysis predicts that this variant has a tolerated effect. According to the currently available evidence, this variant has been classified as uncertain significance (BP4_P).

Labcorp Genetics (formerly Invitae), Labcorp
Classification: Likely benign. Last evaluated: 2026-01-26. Review status: criteria provided, single submitter. Criteria: Invitae Variant Classification Sherloc (09022015). Collection method: clinical testing. Allele origin: germline.

Fulgent Genetics
Classification: Likely benign for Sotos syndrome. Last evaluated: 2024-05-17. Review status: criteria provided, single submitter. Criteria: ACMG Guidelines, 2015. Collection method: clinical testing. Allele origin: germline.

Mendelics
Classification: Likely benign for Hereditary cancer. Last evaluated: 2024-01-23. Review status: criteria provided, single submitter. Criteria: ACMG Guidelines, 2015. Collection method: clinical testing. Allele origin: unknown.

Genome-Nilou Lab
Classification: Uncertain significance for Sotos syndrome. Last evaluated: 2021-07-15. Review status: criteria provided, single submitter. Criteria: ACMG Guidelines, 2015. Collection method: clinical testing. Allele origin: germline. Affected: no.

Ambry Genetics
Classification: Likely benign for Inborn genetic diseases. Last evaluated: 2019-09-27. Review status: criteria provided, single submitter. Criteria: Ambry Variant Classification Scheme 2023. Collection method: clinical testing. Allele origin: germline.

Eurofins Ntd Llc (ga)
Classification: Uncertain significance. Last evaluated: 2015-01-02. Review status: criteria provided, single submitter. Criteria: EGL Classification Definitions 2015. Collection method: clinical testing. Allele origin: germline. Observed: 1 variant allele, 1 heterozygote.

PreventionGenetics, part of Exact Sciences
Classification: Likely benign for NSD1-related condition. Last evaluated: 2024-03-19. Review status: no assertion criteria provided. Collection method: clinical testing. Allele origin: germline. Not counted in ClinVar's aggregate classification.
Comment: This variant is classified as likely benign based on ACMG/AMP sequence variant interpretation guidelines (Richards et al. 2015 PMID: 25741868, with internal and published modifications).